The following is an entry in ClinVar:

ClinVar aggregate classification (germline): Likely benign (1 of 4 stars; one submission).

gnomAD v4.1: 1 of 1,613,920 alleles (0.000062%); highest among the groups gnomAD compares: Non-Finnish European, 0.000085%; no homozygotes.

Submission:

CeGaT Center for Human Genetics Tuebingen
Classification: Likely benign. Last evaluated: 2025-12-01. Review status: criteria provided, single submitter. Criteria: CeGaT Center For Human Genetics Tuebingen Variant Classification Criteria Version 2. Collection method: clinical testing. Allele origin: germline. Affected: yes. Observed: 1 variant allele.
Comment: MYO15A: BP4, BP7

NM_016239.4(MYO15A):c.10101C>T (p.Tyr3367=)

Gene: MYO15A (myosin XVA; plus strand). Cytogenetic location: 17p11.2.
Variant type: single nucleotide variant.
Coding change: c.10101C>T on transcript NM_016239.4 (MANE Select); coding-DNA position 10101, C replaced by T.
Protein change: p.Tyr3367=; no amino-acid change (tyrosine 3367 retained).
Molecular consequence: synonymous variant.
Genome position (GRCh38, 1-based): chr17:18,171,656, C>T. VCF-style: chr17-18171656-C-T. GRCh37 (hg19) VCF-style: chr17-18074970-C-T.
Identifiers: ClinVar variation 4535414 (VCV004535414.6).